The following is an entry in ClinVar:

NM_000260.4(MYO7A):c.5857-7A>C

Gene: MYO7A (myosin VIIA; plus strand). Cytogenetic location: 11q13.5.
Variant type: single nucleotide variant.
Coding change: c.5857-7A>C on transcript NM_000260.4 (MANE Select); 7 bases into the intron before coding-DNA position 5857, A replaced by C.
Molecular consequence: intron variant.
Genome position (GRCh38, 1-based): chr11:77,208,423, A>C. VCF-style: chr11-77208423-A-C. GRCh37 (hg19) VCF-style: chr11-76919468-A-C.
Other names: c.5710-7A>C (NM_001369365.1); c.5743-7A>C (NM_001127180.2).
Identifiers: ClinVar variation 508578 (VCV000508578.1), dbSNP rs1320703, ClinGen allele CA645584044.
Genomic context (GRCh38, chr11:77,208,423, plus strand): 5'-TTAGGTGGGAAGGTCAGAAAATGCAGTGTTGCTTAAACTGAGTGTGCTTCGATGGCCCTG[A>C]CCCCAGGTCCTCAGCGTTCCTGAGAATGACTTCTTCTTTGACTTTGTTCGACACTTGACA-3'

ClinVar aggregate classification (germline): Likely benign (1 of 4 stars; one submission).

Submission:

GeneDx
Classification: Likely benign. Last evaluated: 2017-09-25. Review status: criteria provided, single submitter. Criteria: GeneDx Variant Classification (06012015). Collection method: clinical testing. Allele origin: germline. Affected: yes.
Comment: This variant is considered likely benign or benign based on one or more of the following criteria: it is a conservative change, it occurs at a poorly conserved position in the protein, it is predicted to be benign by multiple in silico algorithms, and/or has population frequency not consistent with disease.